The following is an entry in ClinVar:

ClinVar aggregate classification (germline): Uncertain significance (1 of 4 stars; one submission).

Conditions:
Familial cancer of breast. Also called: BREAST CANCER, FAMILIAL; Hereditary breast cancer; hereditary breast carcinoma. Identifiers: Orphanet 227535, MedGen C0346153, MONDO:0016419, OMIM 114480. Disease mechanism: loss of function.

Submission:

Labcorp Genetics (formerly Invitae), Labcorp
Classification: Uncertain significance for Familial cancer of breast. Last evaluated: 2022-01-16. Review status: criteria provided, single submitter. Criteria: Invitae Variant Classification Sherloc (09022015). Collection method: clinical testing. Allele origin: germline.
Comment: In summary, the available evidence is currently insufficient to determine the role of this variant in disease. Therefore, it has been classified as a Variant of Uncertain Significance. Algorithms developed to predict the effect of missense changes on protein structure and function (SIFT, PolyPhen-2, Align-GVGD) all suggest that this variant is likely to be tolerated. This variant has not been reported in the literature in individuals affected with PALB2-related conditions. This variant is not present in population databases (gnomAD no frequency). This sequence change replaces proline, which is neutral and non-polar, with histidine, which is basic and polar, at codon 240 of the PALB2 protein (p.Pro240His).

NM_024675.4(PALB2):c.719C>A (p.Pro240His)

Gene: PALB2 (partner and localizer of BRCA2; minus strand). Cytogenetic location: 16p12.2.
Variant type: single nucleotide variant.
Coding change: c.719C>A on transcript NM_024675.4 (MANE Select); coding-DNA position 719, C replaced by A.
Protein change: p.Pro240His; replaces proline 240 with histidine.
Molecular consequence: missense variant.
Genome position (GRCh38, 1-based): chr16:23,635,827, G>T on the plus strand (C>A on the coding strand, the complement: PALB2 is on the minus strand). VCF-style: chr16-23635827-G-T. GRCh37 (hg19) VCF-style: chr16-23647148-G-T.
Other names: c.659C>A, p.Pro220His (NM_001407296.1); c.719C>A, p.Pro240His (NM_001407297.1, NM_001407298.1, NM_001407299.1 and 3 more transcripts); c.-167C>A (NM_001407304.1, NM_001407305.1, NM_001407306.1 and 5 more transcripts); short protein forms P220H, P240H.
Identifiers: ClinVar variation 2086415 (VCV002086415.4), dbSNP rs1466115155, ClinGen allele CA395136306.